The following is an entry in ClinVar:

ClinVar aggregate classification (germline): Pathogenic. Review status: criteria provided, multiple submitters, no conflicts (2 of 4 stars). 3 submissions from 3 submitters: Pathogenic (3). Last evaluated 2025-12-14.

Conditions:
Polyglandular autoimmune syndrome, type 1 (APS1). Also called: Autoimmune polyendocrine syndrome type 1; HYPOADRENOCORTICISM WITH HYPOPARATHYROIDISM AND SUPERFICIAL MONILIASIS; PGA I; AUTOIMMUNE POLYENDOCRINE SYNDROME, TYPE I, WITH OR WITHOUT REVERSIBLE METAPHYSEAL DYSPLASIA; APS I; Whitaker syndrome. Identifiers: Orphanet 3453, MedGen C0085859, MONDO:0009411, OMIM 240300.

Submissions (3):

Labcorp Genetics (formerly Invitae), Labcorp
Classification: Pathogenic for Polyglandular autoimmune syndrome, type 1. Last evaluated: 2025-12-14. Review status: criteria provided, single submitter. Criteria: Invitae Variant Classification Sherloc (09022015). Collection method: clinical testing. Allele origin: germline.
Comment: This sequence change falls in intron 8 of the AIRE gene. It does not directly change the encoded amino acid sequence of the AIRE protein. It affects a nucleotide within the consensus splice site. Information on the frequency of this variant in the gnomAD database is not available, as this variant may be reported differently in the database. This variant has been observed in individuals with autosomal recessive autoimmune polyendocrinopathy syndrome and/or hypoparathyroidism (PMID: 21295522, 28323927). It has also been observed to segregate with disease in related individuals. This variant is also known as IVS8+3G>T; +5G>T. Variants that disrupt the consensus splice site are a relatively common cause of aberrant splicing (PMID: 17576681, 9536098). For these reasons, this variant has been classified as Pathogenic.

Natera, Inc.
Classification: Pathogenic for Polyglandular autoimmune syndrome type 1. Last evaluated: 2025-03-17. Review status: criteria provided, single submitter. Criteria: Natera Variant Classification Schema (03/2026). Collection method: clinical testing. Allele origin: germline.
Comment: The c.995+3_995+5delGAGinsTAT variant in AIRE is a deletion-insertion (delins) variant predicted to replace one or more nucleotides with a different sequence. This variant is rare in the general population with a frequency below the threshold expected for the associated phenotype(s). This variant has been observed in one or more individuals affected with the associated recessive disease, as either homozygous or compound heterozygous with a second variant (PMID: 21295522). Given the available evidence, this variant is classified as Pathogenic.

Women's Health and Genetics/Laboratory Corporation of America, LabCorp
Classification: Pathogenic for Polyglandular autoimmune syndrome, type 1. Last evaluated: 2023-04-12. Review status: criteria provided, single submitter. Criteria: LabCorp Variant Classification Summary - May 2015. Collection method: clinical testing. Allele origin: germline.
Comment: Variant summary: AIRE c.995+3_995+5delinsTAT alters a nucleotide located close to a canonical splice site and therefore could affect mRNA splicing, leading to a significantly altered protein sequence. Several computational tools predict a significant impact on normal splicing: Two predict the variant abolishes a canonical 5' splicing donor site and two predict the variant weakens this site. However, these predictions have yet to be confirmed by functional studies. The variant was absent in 232740 control chromosomes (gnomAD). c.995+3_995+5delinsTAT has been reported in the literature in multiple individuals affected with Autoimmune Polyglandular Syndrome Type 1, APECED, and/or hypoparathyroidism with evidence of cosegregation with disease (Mazza_2011, Li_2017, Garelli_2021, Cranston_2022), and some patients were reported as compound heterozygous with other (likely) pathogenic variants. These data indicate that the variant is very likely to be associated with disease. One submitter has provided a clinical-significance assessment for this variant to ClinVar after 2014, and classified the variant as pathogenic. Based on the evidence outlined above, the variant was classified as pathogenic.

Literature cited by the submitters: PubMed 21295522 (cited by 3 submitters); PubMed 28323927 (cited by Labcorp Genetics (formerly Invitae), Labcorp and Women's Health and Genetics/Laboratory Corporation of America, LabCorp); PubMed 17576681 (cited by Labcorp Genetics (formerly Invitae), Labcorp); PubMed 9536098 (cited by Labcorp Genetics (formerly Invitae), Labcorp); PubMed 35521792 (cited by Women's Health and Genetics/Laboratory Corporation of America, LabCorp); PubMed 34003463 (cited by Women's Health and Genetics/Laboratory Corporation of America, LabCorp).

NM_000383.4(AIRE):c.995+3_995+5delinsTAT

Gene: AIRE (autoimmune regulator; plus strand). Cytogenetic location: 21q22.3.
Variant type: Indel.
Coding change: c.995+3_995+5delinsTAT on transcript NM_000383.4 (MANE Select); bases 3 to 5 of the intron after coding-DNA position 995, GAG replaced by TAT.
Molecular consequence: intron variant.
Genome position (GRCh38, 1-based): chr21:44,291,213-44,291,215, GAG replaced by TAT. VCF-style: chr21-44291213-GAG-TAT. GRCh37 (hg19) VCF-style: chr21-45711096-GAG-TAT.
Other names: c.995+3_995+5delGAGinsTAT (NM_000383.3).
Identifiers: ClinVar variation 966540 (VCV000966540.7), dbSNP rs2040536458, ClinGen allele CA1139666889.